The following is an entry in ClinVar:

NM_021813.4(BACH2):c.627G>C (p.Glu209Asp)

Gene: BACH2 (BACH transcriptional regulator 2; minus strand). Cytogenetic location: 6q15.
Variant type: single nucleotide variant.
Coding change: c.627G>C on transcript NM_021813.4 (MANE Select); coding-DNA position 627, G replaced by C.
Protein change: p.Glu209Asp; replaces glutamic acid 209 with aspartic acid.
Molecular consequence: missense variant.
Genome position (GRCh38, 1-based): chr6:89,951,479, C>G on the plus strand (G>C on the coding strand, the complement: BACH2 is on the minus strand). VCF-style: chr6-89951479-C-G. GRCh37 (hg19) VCF-style: chr6-90661198-C-G.
Other names: c.627G>C, p.Glu209Asp (NM_001170794.2); short protein forms E209D.
Identifiers: ClinVar variation 1505060 (VCV001505060.8), dbSNP rs1477218353, ClinGen allele CA365072594.

ClinVar aggregate classification (germline): Uncertain significance (1 of 4 stars; one submission).

Allele frequency attached by ClinVar (database versions not stated): gnomAD 0.00001; TOPMed 0.00001.
gnomAD v4.1: 1 of 1,614,118 alleles (0.000062%); highest among the groups gnomAD compares: Non-Finnish European, 0.000085%; no homozygotes.

Submission:

Labcorp Genetics (formerly Invitae), Labcorp
Classification: Uncertain significance. Last evaluated: 2024-12-14. Review status: criteria provided, single submitter. Criteria: Invitae Variant Classification Sherloc (09022015). Collection method: clinical testing. Allele origin: germline.
Comment: This sequence change replaces glutamic acid, which is acidic and polar, with aspartic acid, which is acidic and polar, at codon 209 of the BACH2 protein (p.Glu209Asp). This variant is not present in population databases (gnomAD no frequency). This variant has not been reported in the literature in individuals affected with BACH2-related conditions. ClinVar contains an entry for this variant (Variation ID: 1505060). Invitae Evidence Modeling of protein sequence and biophysical properties (such as structural, functional, and spatial information, amino acid conservation, physicochemical variation, residue mobility, and thermodynamic stability) indicates that this missense variant is not expected to disrupt BACH2 protein function with a negative predictive value of 80%. In summary, the available evidence is currently insufficient to determine the role of this variant in disease. Therefore, it has been classified as a Variant of Uncertain Significance.